The following is an entry in ClinVar:

NM_000059.4(BRCA2):c.9118-6C>T

Gene: BRCA2 (BRCA2 DNA repair associated; plus strand). Cytogenetic location: 13q13.1.
Variant type: single nucleotide variant.
Coding change: c.9118-6C>T on transcript NM_000059.4 (MANE Select); 6 bases into the intron before coding-DNA position 9118, C replaced by T.
Molecular consequence: intron variant.
Genome position (GRCh38, 1-based): chr13:32,380,001, C>T. VCF-style: chr13-32380001-C-T. GRCh37 (hg19) VCF-style: chr13-32954138-C-T.
Other names: IVS23-6C>T.
Identifiers: ClinVar variation 38216 (VCV000038216.17), dbSNP rs81002890, ClinGen allele CA025997.

ClinVar aggregate classification (germline): Conflicting classifications of pathogenicity. Review status: criteria provided, conflicting classifications (1 of 4 stars). 7 submissions from 7 submitters: Uncertain significance (1); Likely benign (3). 3 of the submissions do not count toward it. Last evaluated 2025-04-16.

Conditions:
Hereditary breast ovarian cancer syndrome. Also called: Hereditary breast and ovarian cancer; Hereditary breast and ovarian cancer syndrome (HBOC); Hereditary breast and/or ovarian cancer syndrome; Breast and ovarian cancer; Hereditary breast and ovarian cancer syndrome; BRCA1- and BRCA2-Associated Hereditary Breast and Ovarian Cancer. Identifiers: Orphanet 145, MedGen C0677776, MeSH D061325, MONDO:0003582. Disease mechanism: loss of function.
Breast-ovarian cancer, familial, susceptibility to, 2 (BROVCA2). Also called: BRCA2 Hereditary Breast and Ovarian Cancer. Identifiers: Orphanet 145, MedGen C2675520, MONDO:0012933, OMIM 612555. Disease mechanism: loss of function.

Allele frequency attached by ClinVar (database versions not stated): TOPMed below 0.00001.
gnomAD v4.1: 1 of 1,613,786 alleles (0.000062%); highest among the groups gnomAD compares: Non-Finnish European, 0.000085%; no homozygotes.

Submissions (7):

Women's Health and Genetics/Laboratory Corporation of America, LabCorp
Classification: Likely benign. Last evaluated: 2025-04-16. Review status: criteria provided, single submitter. Criteria: LabCorp Variant Classification Summary - May 2015. Collection method: clinical testing. Allele origin: germline.

Labcorp Genetics (formerly Invitae), Labcorp
Classification: Likely benign for Hereditary breast ovarian cancer syndrome. Last evaluated: 2025-03-31. Review status: criteria provided, single submitter. Criteria: Invitae Variant Classification Sherloc (09022015). Collection method: clinical testing. Allele origin: germline.

Quest Diagnostics Nichols Institute San Juan Capistrano
Classification: Uncertain significance. Last evaluated: 2024-11-27. Review status: criteria provided, single submitter. Criteria: Quest Diagnostics criteria. Collection method: clinical testing. Allele origin: unknown.
Comment: The BRCA2 c.9118-6C>T variant has not been reported in individuals with BRCA2-related conditions in the published literature. It also has not been reported in large, multi-ethnic general populations (Genome Aggregation Database). Analysis of this variant using software algorithms for the prediction of the effect of nucleotide changes on splicing yielded predictions that this variant does not affect BRCA2 mRNA splicing. Based on the available information, we are unable to determine the clinical significance of this variant.

GeneDx
Classification: Likely benign. Last evaluated: 2016-03-29. Review status: criteria provided, single submitter. Criteria: GeneDx Variant Classification (06012015). Collection method: clinical testing. Allele origin: germline. Affected: yes.
Comment: This variant is considered likely benign or benign based on one or more of the following criteria: it is a conservative change, it occurs at a poorly conserved position in the protein, it is predicted to be benign by multiple in silico algorithms, and/or has population frequency not consistent with disease.

University of Washington Department of Laboratory Medicine, University of Washington
Classification: Likely benign for Breast-ovarian cancer, familial, susceptibility to, 2. Last evaluated: 2019-09-30. Review status: no assertion criteria provided. Collection method: clinical testing. Allele origin: unknown. Affected: yes. Not counted in ClinVar's aggregate classification.
Comment: Functional studies using this patient’sRNA showed that only full-length normally spliced BRCA2 transcripts were detected in this patient’s RNA. Both alleles were equally expressed, suggesting no cryptic splice or exonicdeletion.

Sharing Clinical Reports Project (SCRP)
Classification: Uncertain significance for Breast-ovarian cancer, familial 2. Last evaluated: 2009-06-03. Review status: no assertion criteria provided. Collection method: clinical testing. Allele origin: germline. Not counted in ClinVar's aggregate classification.

Breast Cancer Information Core (BIC) (BRCA2)
Classification: Uncertain significance for Breast-ovarian cancer, familial 2. Last evaluated: 2003-12-23. Review status: no assertion criteria provided. Collection method: clinical testing. Allele origin: germline. Affected: yes. Observed: 1 variant allele. Not counted in ClinVar's aggregate classification.